The following is an entry in ClinVar:

ClinVar aggregate classification (germline): Uncertain significance (1 of 4 stars; one submission).

Submission:

GeneDx
Classification: Uncertain significance. Last evaluated: 2019-05-17. Review status: criteria provided, single submitter. Criteria: GeneDx Variant Classification Process June 2021. Collection method: clinical testing. Allele origin: germline. Affected: yes.
Comment: Not observed in large population cohorts (Lek et al., 2016); In silico analysis, which includes splice predictors and evolutionary conservation, supports a deleterious effect; Has not been previously published as pathogenic or benign to our knowledge

NM_001354604.2(MITF):c.583-3C>A

Gene: MITF (melanocyte inducing transcription factor; plus strand). Cytogenetic location: 3p13.
Variant type: single nucleotide variant.
Coding change: c.583-3C>A on transcript NM_001354604.2 (MANE Select); 3 bases into the intron before coding-DNA position 583, C replaced by A.
Molecular consequence: intron variant.
Genome position (GRCh38, 1-based): chr3:69,939,095, C>A. VCF-style: chr3-69939095-C-A. GRCh37 (hg19) VCF-style: chr3-69988246-C-A.
Other names: c.532-3C>A (NM_001354607.2); c.427-3C>A (NM_001354608.2, NM_001184967.2); c.583-3C>A (NM_198159.3); c.580-3C>A (NM_001354605.2, NM_001354606.2, NM_006722.3); c.535-3C>A (NM_198177.3); c.262-3C>A (NM_000248.4, NM_198158.3); c.94-3C>A (NM_198178.3).
Identifiers: ClinVar variation 1305842 (VCV001305842.2), dbSNP rs1293160128, ClinGen allele CA2573052236.